The following is an entry in ClinVar:

ClinVar aggregate classification (germline): Pathogenic/Likely pathogenic. Review status: criteria provided, multiple submitters, no conflicts (2 of 4 stars). 2 submissions from 2 submitters: Pathogenic (1); Likely pathogenic (1). Last evaluated 2025-01-12.

Conditions:
Cornelia de Lange syndrome 1 (CDLS1). Also called: Brachmann de Lange syndrome; NIPBL-Related Cornelia de Lange Syndrome; TYPUS DEGENERATIVUS AMSTELODAMENSIS. Identifiers: Orphanet 199, MedGen C4551851, MONDO:0007387, OMIM 122470.

Submissions (2):

Labcorp Genetics (formerly Invitae), Labcorp
Classification: Likely pathogenic for Cornelia de Lange syndrome 1. Last evaluated: 2025-01-12. Review status: criteria provided, single submitter. Criteria: Invitae Variant Classification Sherloc (09022015). Collection method: clinical testing. Allele origin: germline.
Comment: This sequence change affects a donor splice site in intron 32 of the NIPBL gene. It is expected to disrupt RNA splicing. Variants that disrupt the donor or acceptor splice site typically lead to a loss of protein function (PMID: 16199547), and loss-of-function variants in NIPBL are known to be pathogenic (PMID: 15318302, 19763162, 23505322, 29995837). This variant is not present in population databases (gnomAD no frequency). Disruption of this splice site has been observed in individual(s) with clinical features of Cornelia de Lange syndrome (internal data). ClinVar contains an entry for this variant (Variation ID: 159162). Algorithms developed to predict the effect of sequence changes on RNA splicing suggest that this variant may disrupt the consensus splice site. In summary, the currently available evidence indicates that the variant is pathogenic, but additional data are needed to prove that conclusively. Therefore, this variant has been classified as Likely Pathogenic.

Genetic Services Laboratory, University of Chicago
Classification: Pathogenic for Cornelia de Lange syndrome 1. Last evaluated: 2013-02-08. Review status: criteria provided, single submitter. Criteria: ACMG Guidelines, 2007. Collection method: clinical testing. Allele origin: germline. Inheritance: Autosomal dominant inheritance. Affected: yes.

Literature cited by the submitters: PubMed 16199547 (cited by Labcorp Genetics (formerly Invitae), Labcorp); PubMed 15318302 (cited by Labcorp Genetics (formerly Invitae), Labcorp); PubMed 19763162 (cited by Labcorp Genetics (formerly Invitae), Labcorp); PubMed 23505322 (cited by Labcorp Genetics (formerly Invitae), Labcorp); PubMed 29995837 (cited by Labcorp Genetics (formerly Invitae), Labcorp).

NM_133433.4(NIPBL):c.5862+1G>A

Gene: NIPBL (NIPBL cohesin loading factor; plus strand). Cytogenetic location: 5p13.2.
Variant type: single nucleotide variant.
Coding change: c.5862+1G>A on transcript NM_133433.4 (MANE Select); the canonical splice donor site of the intron after coding-DNA position 5862, G replaced by A.
Molecular consequence: splice donor variant.
Genome position (GRCh38, 1-based): chr5:37,027,413, G>A. VCF-style: chr5-37027413-G-A. GRCh37 (hg19) VCF-style: chr5-37027515-G-A.
Other names: c.5862+1G>A (NM_015384.5).
Identifiers: ClinVar variation 159162 (VCV000159162.8), dbSNP rs587783985, ClinGen allele CA272170.